The following is an entry in ClinVar:

NM_000834.5(GRIN2B):c.2561G>T (p.Cys854Phe)

Gene: GRIN2B (glutamate ionotropic receptor NMDA type subunit 2B; minus strand). Cytogenetic location: 12p13.1.
Variant type: single nucleotide variant.
Coding change: c.2561G>T on transcript NM_000834.5 (MANE Select); coding-DNA position 2561, G replaced by T.
Protein change: p.Cys854Phe; replaces cysteine 854 with phenylalanine.
Molecular consequence: missense variant.
Genome position (GRCh38, 1-based): chr12:13,567,062, C>A on the plus strand (G>T on the coding strand, the complement: GRIN2B is on the minus strand). VCF-style: chr12-13567062-C-A. GRCh37 (hg19) VCF-style: chr12-13719996-C-A.
Other names: short protein forms C854F.
Identifiers: ClinVar variation 655676 (VCV000655676.13), dbSNP rs758762096, ClinGen allele CA6461042.

ClinVar aggregate classification (germline): Conflicting classifications of pathogenicity. Review status: criteria provided, conflicting classifications (1 of 4 stars). 3 submissions from 3 submitters: Uncertain significance (2); Likely benign (1). Last evaluated 2025-07-11.

Conditions:
Intellectual developmental disorder, autosomal dominant 6, with or without seizures. Also called: Intellectual disability, autosomal dominant 6; GRIN2B-related developmental delay, intellectual disability and autism spectrum disorder. Identifiers: Orphanet 589547, MedGen C3151411, MONDO:0013509, OMIM 613970.
Developmental and epileptic encephalopathy, 27 (DEE27). Also called: GRIN2B-Related Neurodevelopmental Disorder; Epileptic encephalopathy, early infantile, 27. Identifiers: Orphanet 3451, MedGen C4015316, MONDO:0014505, OMIM 616139.
Inborn genetic diseases. Identifiers: MedGen C0950123, MeSH D030342.

Allele frequency attached by ClinVar (database versions not stated): ExAC 0.00001; gnomAD exomes 0.00001.
gnomAD v4.1: 10 of 1,614,088 alleles (0.00062%); highest among the groups gnomAD compares: Admixed American, 0.005%; no homozygotes.

Submissions (3):

Ambry Genetics
Classification: Uncertain significance for Inborn genetic diseases. Last evaluated: 2025-07-11. Review status: criteria provided, single submitter. Criteria: Ambry Variant Classification Scheme 2023. Collection method: clinical testing. Allele origin: germline.

Labcorp Genetics (formerly Invitae), Labcorp
Classification: Likely benign for Developmental and epileptic encephalopathy, 27; Intellectual developmental disorder, autosomal dominant 6, with or without seizures. Last evaluated: 2025-06-23. Review status: criteria provided, single submitter. Criteria: Invitae Variant Classification Sherloc (09022015). Collection method: clinical testing. Allele origin: germline.

Athena Diagnostics
Classification: Uncertain significance. Last evaluated: 2024-08-15. Review status: criteria provided, single submitter. Criteria: Athena Diagnostics Criteria. Collection method: clinical testing. Allele origin: unknown.
Comment: Available data are insufficient to determine the clinical significance of the variant at this time. The frequency of this variant in the general population is uninformative in assessment of its pathogenicity. Polyphen and MutationTaster yielded discordant predictions regarding whether this amino acid change is damaging to the protein.

Literature cited by the submitters: PubMed 33004838 (cited by Athena Diagnostics).